The following is an entry in ClinVar:

NM_004746.4(DLGAP1):c.1351-3C>T

Gene: DLGAP1 (DLG associated protein 1; minus strand). Cytogenetic location: 18p11.31.
Variant type: single nucleotide variant.
Coding change: c.1351-3C>T on transcript NM_004746.4 (MANE Select); 3 bases into the intron before coding-DNA position 1351, C replaced by T.
Molecular consequence: intron variant.
Genome position (GRCh38, 1-based): chr18:3,729,378, G>A on the plus strand (C>T on the coding strand, the complement: DLGAP1 is on the minus strand). VCF-style: chr18-3729378-G-A. GRCh37 (hg19) VCF-style: chr18-3729378-G-A.
Other names: NC_000018.9:g.3729378G>A; c.1351-3C>T (NM_001398527.1, NM_001398526.1, NM_001398525.1 and 2 more transcripts); c.487-3C>T (NM_001242762.2, NM_001398533.1, NM_001242763.2 and 2 more transcripts); c.601-3C>T (NM_001398530.1, NM_001398535.1); c.469-3C>T (NM_001242764.2, NM_001308390.2, NM_001398546.1 and 2 more transcripts); c.583-3C>T (NM_001398531.1, NM_001398537.1); c.475-3C>T (NM_001398534.1, NM_001398532.1, NM_001398543.1 and 1 more transcripts); c.445-3C>T (NM_001003809.3, NM_001242766.2, NM_001242765.2 and 1 more transcripts); and 1 more.
Identifiers: ClinVar variation 3039311 (VCV003039311.3), dbSNP rs149516374, ClinGen allele CA8876471.

ClinVar aggregate classification (germline): Likely benign (0 of 4 stars; one submission).

Conditions:
DLGAP1-related disorder. Also called: DLGAP1-related condition.

Allele frequency attached by ClinVar (database versions not stated): gnomAD exomes 0.00010; ExAC 0.00032; 1000 Genomes Project 0.00100; gnomAD 0.00108; ESP Exome Variant Server 0.00123; TOPMed 0.00133; 1000 Genomes Project 30x 0.00141.
gnomAD v4.1: 318 of 1,609,060 alleles (0.02%); highest among the groups gnomAD compares: African/African-American, 0.37%; 2 homozygotes.

Submissions (2):

PreventionGenetics, part of Exact Sciences
Classification: Likely benign for DLGAP1-related condition. Last evaluated: 2019-06-06. Review status: no assertion criteria provided. Collection method: clinical testing. Allele origin: germline.
Comment: This variant is classified as likely benign based on ACMG/AMP sequence variant interpretation guidelines (Richards et al. 2015 PMID: 25741868, with internal and published modifications).

Dr. Peter K. Rogan Lab, Western University
No classification provided (evidence only). Condition: Malignant tumor of esophagus. Review status: no classification provided. Collection method: in vitro. Allele origin: not applicable. Functional consequence: retained intron. Not counted in ClinVar's aggregate classification.